The following is an entry in ClinVar:

Conditions:
Arteriohepatic dysplasia. Also called: Alagille Syndrome. Identifiers: Orphanet 52, MedGen C0085280, MeSH D016738, MONDO:0007318.

Submission:

Gilbert/Spinner Lab, Children's Hospital of Philadelphia
No classification provided (evidence only). Condition: Alagille syndrome. Review status: no classification provided. Collection method: research. Allele origin: not applicable. Functional consequence: functionally_abnormal.
ClinVar note: "not provided" was previously submitted as the classification for the variant. However, the classification appeared to be based only on an observation of functional data so it was converted to no classification on 2025-07-30.

NM_000214.3(JAG1):c.685T>A (p.Cys229Ser)

Gene: JAG1 (jagged canonical Notch ligand 1; minus strand). Cytogenetic location: 20p12.2.
Variant type: single nucleotide variant.
Coding change: c.685T>A on transcript NM_000214.3 (MANE Select); coding-DNA position 685, T replaced by A.
Protein change: p.Cys229Ser; replaces cysteine 229 with serine.
Molecular consequence: missense variant.
Genome position (GRCh38, 1-based): chr20:10,658,477, A>T on the plus strand (T>A on the coding strand, the complement: JAG1 is on the minus strand). VCF-style: chr20-10658477-A-T. GRCh37 (hg19) VCF-style: chr20-10639125-A-T.
Other names: short protein forms C229S.
Identifiers: ClinVar variation 3573086 (VCV003573086.2).